The following is an entry in ClinVar:

ClinVar aggregate classification (germline): Uncertain significance. Review status: criteria provided, multiple submitters, no conflicts (2 of 4 stars). 2 submissions from 2 submitters: Uncertain significance (2). Last evaluated 2024-07-15.

Conditions:
Tuberous sclerosis 2 (TSC2). Identifiers: Orphanet 805, MedGen C1860707, MONDO:0013199, OMIM 613254.
Tuberous sclerosis syndrome (TSC). Also called: Tuberous sclerosis; Tuberous Sclerosis Complex. Identifiers: Orphanet 805, MedGen C0041341, MONDO:0001734.

Submissions (2):

Labcorp Genetics (formerly Invitae), Labcorp
Classification: Uncertain significance for Tuberous sclerosis 2. Last evaluated: 2024-07-15. Review status: criteria provided, single submitter. Criteria: Invitae Variant Classification Sherloc (09022015). Collection method: clinical testing. Allele origin: germline.
Comment: This sequence change replaces valine, which is neutral and non-polar, with methionine, which is neutral and non-polar, at codon 1725 of the TSC2 protein (p.Val1725Met). This variant is not present in population databases (gnomAD no frequency). This variant has not been reported in the literature in individuals affected with TSC2-related conditions. Advanced modeling of protein sequence and biophysical properties (such as structural, functional, and spatial information, amino acid conservation, physicochemical variation, residue mobility, and thermodynamic stability) has been performed at Invitae for this missense variant, however the output from this modeling did not meet the statistical confidence thresholds required to predict the impact of this variant on TSC2 protein function. In summary, the available evidence is currently insufficient to determine the role of this variant in disease. Therefore, it has been classified as a Variant of Uncertain Significance.

All of Us Research Program, National Institutes of Health
Classification: Uncertain significance for Tuberous sclerosis syndrome. Last evaluated: 2023-04-03. Review status: criteria provided, single submitter. Criteria: ACMG Guidelines, 2015. Collection method: clinical testing. Allele origin: germline. Inheritance: Autosomal dominant inheritance. Observed: 1 variant allele, 1 heterozygote.
Comment: This missense variant replaces valine with methionine at codon 1725 of the TSC2 protein. Computational prediction suggests that this variant may have deleterious impact on protein structure and function (internally defined REVEL score threshold >= 0.7, PMID: 27666373). To our knowledge, functional studies have not been reported for this variant. This variant has not been reported in individuals affected with TSC2-related disorders in the literature. This variant has not been identified in the general population by the Genome Aggregation Database (gnomAD). The available evidence is insufficient to determine the role of this variant in disease conclusively. Therefore, this variant is classified as a Variant of Uncertain Significance.

This study involves interpretation of variants in research participants for the purpose of population health screening. Participant phenotype was not available at the time of variant classification. Additional details can be found in publication PMID: 35346344, PMCID: PMC8962531

NM_000548.5(TSC2):c.5173G>A (p.Val1725Met)

Gene: TSC2 (TSC complex subunit 2; plus strand). Cytogenetic location: 16p13.3.
Variant type: single nucleotide variant.
Coding change: c.5173G>A on transcript NM_000548.5 (MANE Select); coding-DNA position 5173, G replaced by A.
Protein change: p.Val1725Met; replaces valine 1725 with methionine.
Molecular consequence: missense variant. On other transcripts: non-coding transcript variant (5).
Genome position (GRCh38, 1-based): chr16:2,088,239, G>A. VCF-style: chr16-2088239-G-A. GRCh37 (hg19) VCF-style: chr16-2138240-G-A.
Other names: c.4972G>A, p.Val1658Met (NM_001077183.3); c.5104G>A, p.Val1702Met (NM_001114382.3); c.4864G>A, p.Val1622Met (NM_001318827.2); c.4828G>A, p.Val1610Met (NM_001318829.2); c.4441G>A, p.Val1481Met (NM_001318831.2); c.5005G>A, p.Val1669Met (NM_001318832.2); c.4975G>A, p.Val1659Met (NM_001363528.2); c.5041G>A, p.Val1681Met (NM_001370404.1); and 27 more; short protein forms V1124M, V1210M, V1211M, V1233M, V1234M, V1254M, V1458M, V1459M.
Identifiers: ClinVar variation 3070177 (VCV003070177.3), dbSNP rs2151628159, ClinGen allele CA394313992.